The following is an entry in ClinVar:

ClinVar aggregate classification (germline): Likely pathogenic. Review status: criteria provided, multiple submitters, no conflicts (2 of 4 stars). 3 submissions from 3 submitters: Likely pathogenic (2). 1 of the submissions does not count toward it. Last evaluated 2025-12-23.

Conditions:
Junctional epidermolysis bullosa. Identifiers: Orphanet 305, MedGen C0079301, MONDO:0017612.
Junctional epidermolysis bullosa gravis of Herlitz. Also called: EPIDERMOLYSIS BULLOSA, JUNCTIONAL 1B, SEVERE; Epidermolysis Bullosa Letalis; Herlitz-type junctional epidermolysis bullosa; EPIDERMOLYSIS BULLOSA JUNCTIONALIS, HERLITZ TYPE; EPIDERMOLYSIS BULLOSA, JUNCTIONAL, HERLITZ-PEARSON TYPE; JEB-HERLITZ TYPE. Identifiers: Orphanet 79404, MedGen C0079683, MONDO:0009182, OMIM 226700.

Allele frequency attached by ClinVar (database versions not stated): gnomAD exomes below 0.00001; TOPMed 0.00001; gnomAD 0.00003.
gnomAD v4.1: 5 of 1,613,912 alleles (0.00031%); highest among the groups gnomAD compares: African/African-American, 0.0067%; no homozygotes.

Submissions (3):

Myriad Genetics, Inc.
Classification: Likely pathogenic for Junctional epidermolysis bullosa. Last evaluated: 2025-12-23. Review status: criteria provided, single submitter. Criteria: Myriad Autosomal Dominant, Autosomal Recessive and X-Linked Classification Criteria (2023). Collection method: clinical testing. Allele origin: unknown.
Comment: NM_005562.2(LAMC2):c.1468+1G>T is a variant in a canonical splice site classified as likely pathogenic in the context of junctional epidermolysis bullosa, LAMC2-related. c.1468+1G>T has been observed in a case with relevant disease (PMID: Milas_2025_(article)). Relevant functional assessments of this variant are not available in the literature. c.1468+1G>T has been observed in referenced population frequency databases. . Please note: this variant was assessed in the context of healthy population screening.

Labcorp Genetics (formerly Invitae), Labcorp
Classification: Likely pathogenic. Last evaluated: 2023-11-11. Review status: criteria provided, single submitter. Criteria: Invitae Variant Classification Sherloc (09022015). Collection method: clinical testing. Allele origin: germline.
Comment: This sequence change affects a donor splice site in intron 10 of the LAMC2 gene. It is expected to disrupt RNA splicing. Variants that disrupt the donor or acceptor splice site typically lead to a loss of protein function (PMID: 16199547), and loss-of-function variants in LAMC2 are known to be pathogenic (PMID: 11907499, 16473856). This variant is present in population databases (no rsID available, gnomAD 0.008%). This variant has not been reported in the literature in individuals affected with LAMC2-related conditions. ClinVar contains an entry for this variant (Variation ID: 558444). Algorithms developed to predict the effect of sequence changes on RNA splicing suggest that this variant may disrupt the consensus splice site. In summary, the currently available evidence indicates that the variant is pathogenic, but additional data are needed to prove that conclusively. Therefore, this variant has been classified as Likely Pathogenic.

Counsyl
Classification: Likely pathogenic for Junctional epidermolysis bullosa gravis of Herlitz. Last evaluated: 2018-05-23. Review status: no assertion criteria provided. Collection method: clinical testing. Allele origin: unknown. Not counted in ClinVar's aggregate classification.

Literature cited by the submitters: PubMed 16199547 (cited by Labcorp Genetics (formerly Invitae), Labcorp); PubMed 11907499 (cited by Labcorp Genetics (formerly Invitae), Labcorp); PubMed 16473856 (cited by Labcorp Genetics (formerly Invitae), Labcorp).

NM_005562.3(LAMC2):c.1468+1G>T

Gene: LAMC2 (laminin subunit gamma 2; plus strand). Cytogenetic location: 1q25.3.
Variant type: single nucleotide variant.
Coding change: c.1468+1G>T on transcript NM_005562.3 (MANE Select); the canonical splice donor site of the intron after coding-DNA position 1468, G replaced by T.
Molecular consequence: splice donor variant.
Genome position (GRCh38, 1-based): chr1:183,227,698, G>T. VCF-style: chr1-183227698-G-T. GRCh37 (hg19) VCF-style: chr1-183196833-G-T.
Other names: c.1468+1G>T (NM_018891.3).
Identifiers: ClinVar variation 558444 (VCV000558444.11), dbSNP rs1043996591, ClinGen allele CA33976401.